The following is an entry in ClinVar:

ClinVar aggregate classification (germline): Uncertain significance (1 of 4 stars; one submission).

Conditions:
Hereditary spastic paraplegia. Also called: Familial spastic paraparesis. Identifiers: Orphanet 685, MedGen C0037773, MONDO:0019064. Disease mechanism: loss of function.

Allele frequency attached by ClinVar (database versions not stated): gnomAD 0.00001; gnomAD exomes 0.00001; TOPMed 0.00001; ExAC 0.00002.
gnomAD v4.1: 11 of 1,613,770 alleles (0.00068%); highest among the groups gnomAD compares: East Asian, 0.0067%; no homozygotes.

Submission:

Labcorp Genetics (formerly Invitae), Labcorp
Classification: Uncertain significance for Hereditary spastic paraplegia. Last evaluated: 2023-02-08. Review status: criteria provided, single submitter. Criteria: Invitae Variant Classification Sherloc (09022015). Collection method: clinical testing. Allele origin: germline.
Comment: In summary, the available evidence is currently insufficient to determine the role of this variant in disease. Therefore, it has been classified as a Variant of Uncertain Significance. Algorithms developed to predict the effect of missense changes on protein structure and function are either unavailable or do not agree on the potential impact of this missense change (SIFT: "Deleterious"; PolyPhen-2: "Possibly Damaging"; Align-GVGD: "Class C15"). ClinVar contains an entry for this variant (Variation ID: 528040). This variant has not been reported in the literature in individuals affected with USP8-related conditions. This variant is present in population databases (rs752682936, gnomAD 0.006%). This sequence change replaces arginine, which is basic and polar, with tryptophan, which is neutral and slightly polar, at codon 275 of the USP8 protein (p.Arg275Trp).

NM_005154.5(USP8):c.823C>T (p.Arg275Trp)

Gene: USP8 (ubiquitin specific peptidase 8; plus strand). Cytogenetic location: 15q21.2.
Variant type: single nucleotide variant.
Coding change: c.823C>T on transcript NM_005154.5 (MANE Select); coding-DNA position 823, C replaced by T.
Protein change: p.Arg275Trp; replaces arginine 275 with tryptophan.
Molecular consequence: missense variant.
Genome position (GRCh38, 1-based): chr15:50,471,769, C>T. VCF-style: chr15-50471769-C-T. GRCh37 (hg19) VCF-style: chr15-50763966-C-T.
Other names: c.823C>T, p.Arg275Trp (NM_001128610.3); c.592C>T, p.Arg198Trp (NM_001283049.2); short protein forms R275W, R198W.
Identifiers: ClinVar variation 528040 (VCV000528040.4), dbSNP rs752682936, ClinGen allele CA7555572.